The following is an entry in ClinVar:

ClinVar aggregate classification (germline): Uncertain significance (1 of 4 stars; one submission).

Conditions:
Infantile neuroaxonal dystrophy (NBIA2A). Also called: NEURODEGENERATION WITH BRAIN IRON ACCUMULATION 2A; SEITELBERGER DISEASE; Infantile neuroaxonal dystrophy 1. Identifiers: Orphanet 35069, MedGen C0270724, MONDO:0024457, OMIM 256600.

gnomAD v4.1: 3 of 1,613,510 alleles (0.00019%); highest among the groups gnomAD compares: Non-Finnish European, 0.00025%; no homozygotes.

Submission:

Labcorp Genetics (formerly Invitae), Labcorp
Classification: Uncertain significance for Infantile neuroaxonal dystrophy. Last evaluated: 2022-06-14. Review status: criteria provided, single submitter. Criteria: Invitae Variant Classification Sherloc (09022015). Collection method: clinical testing. Allele origin: germline.
Comment: This variant is not present in population databases (gnomAD no frequency). In summary, the available evidence is currently insufficient to determine the role of this variant in disease. Therefore, it has been classified as a Variant of Uncertain Significance. Advanced modeling of protein sequence and biophysical properties (such as structural, functional, and spatial information, amino acid conservation, physicochemical variation, residue mobility, and thermodynamic stability) performed at Invitae indicates that this missense variant is not expected to disrupt PLA2G6 protein function. This variant has not been reported in the literature in individuals affected with PLA2G6-related conditions. This sequence change replaces threonine, which is neutral and polar, with asparagine, which is neutral and polar, at codon 104 of the PLA2G6 protein (p.Thr104Asn).

NM_003560.4(PLA2G6):c.311C>A (p.Thr104Asn)

Gene: PLA2G6 (phospholipase A2 group VI; minus strand). Cytogenetic location: 22q13.1.
Variant type: single nucleotide variant.
Coding change: c.311C>A on transcript NM_003560.4 (MANE Select); coding-DNA position 311, C replaced by A.
Protein change: p.Thr104Asn; replaces threonine 104 with asparagine.
Molecular consequence: missense variant. On other transcripts: 5 prime UTR variant (3).
Genome position (GRCh38, 1-based): chr22:38,145,552, G>T on the plus strand (C>A on the coding strand, the complement: PLA2G6 is on the minus strand). VCF-style: chr22-38145552-G-T. GRCh37 (hg19) VCF-style: chr22-38541559-G-T.
Other names: c.311C>A, p.Thr104Asn (NM_001004426.3, NM_001199562.3, NM_001349864.2 and 2 more transcripts); c.-224C>A (NM_001349867.2, NM_001349869.2); c.-180C>A (NM_001349868.2); short protein forms T104N.
Identifiers: ClinVar variation 1956324 (VCV001956324.3), dbSNP rs2089197947, ClinGen allele CA411532311.